The following is an entry in ClinVar:

ClinVar aggregate classification (germline): Likely benign (1 of 4 stars; one submission).

gnomAD v4.1: 53 of 1,430,386 alleles (0.0037%); highest among the groups gnomAD compares: Admixed American, 0.026%; no homozygotes.

Submission:

CeGaT Center for Human Genetics Tuebingen
Classification: Likely benign. Last evaluated: 2024-11-01. Review status: criteria provided, single submitter. Criteria: CeGaT Center For Human Genetics Tuebingen Variant Classification Criteria Version 2. Collection method: clinical testing. Allele origin: germline. Affected: yes. Observed: 1 variant allele.
Comment: NOP56: BP4

NM_006392.4(NOP56):c.-4C>T

Genes: NOP56 (NOP56 ribonucleoprotein; plus strand), LOC130065308 (ATAC-STARR-seq lymphoblastoid silent region 12604; plus strand). Cytogenetic location: 20p13.
Variant type: single nucleotide variant.
Coding change: c.-4C>T on transcript NM_006392.4 (MANE Select); 4 bases upstream of the start codon, C replaced by T.
Molecular consequence: 5 prime UTR variant. On other transcripts: non-coding transcript variant (2).
Genome position (GRCh38, 1-based): chr20:2,652,657, C>T. VCF-style: chr20-2652657-C-T. GRCh37 (hg19) VCF-style: chr20-2633303-C-T.
Identifiers: ClinVar variation 3388884 (VCV003388884.14).
Genomic context (GRCh38, chr20:2,652,657, plus strand): 5'-GAGCCTGGTTCCGCGCGCCGGAGCGCGCTAGCCGCATTGCGAGCCGAACCCGGGAGCTGG[C>T]GCCATGGTGAGGAGTGGTTGCGGGGCGCGGGCGACGCGACGGTGGGGGTTTCGGCCTGCG-3'